The following is an entry in ClinVar:

ClinVar aggregate classification (germline): Uncertain significance (1 of 4 stars; one submission).

Allele frequency attached by ClinVar (database versions not stated): ExAC 0.00001.
gnomAD v4.1: 2 of 1,613,894 alleles (0.00012%); highest among the groups gnomAD compares: Non-Finnish European, 0.000085%; no homozygotes.

Submission:

Labcorp Genetics (formerly Invitae), Labcorp
Classification: Uncertain significance. Last evaluated: 2024-10-22. Review status: criteria provided, single submitter. Criteria: Invitae Variant Classification Sherloc (09022015). Collection method: clinical testing. Allele origin: germline.
Comment: This sequence change replaces glutamine, which is neutral and polar, with proline, which is neutral and non-polar, at codon 133 of the ABCA1 protein (p.Gln133Pro). This variant is present in population databases (rs771194181, gnomAD 0.0009%). This variant has not been reported in the literature in individuals affected with ABCA1-related conditions. ClinVar contains an entry for this variant (Variation ID: 1956069). Invitae Evidence Modeling of protein sequence and biophysical properties (such as structural, functional, and spatial information, amino acid conservation, physicochemical variation, residue mobility, and thermodynamic stability) indicates that this missense variant is not expected to disrupt ABCA1 protein function with a negative predictive value of 95%. In summary, the available evidence is currently insufficient to determine the role of this variant in disease. Therefore, it has been classified as a Variant of Uncertain Significance.

NM_005502.4(ABCA1):c.398A>C (p.Gln133Pro)

Gene: ABCA1 (ATP binding cassette subfamily A member 1; minus strand). Cytogenetic location: 9q31.1.
Variant type: single nucleotide variant.
Coding change: c.398A>C on transcript NM_005502.4 (MANE Select); coding-DNA position 398, A replaced by C.
Protein change: p.Gln133Pro; replaces glutamine 133 with proline.
Molecular consequence: missense variant.
Genome position (GRCh38, 1-based): chr9:104,883,062, T>G on the plus strand (A>C on the coding strand, the complement: ABCA1 is on the minus strand). VCF-style: chr9-104883062-T-G. GRCh37 (hg19) VCF-style: chr9-107645343-T-G.
Other names: short protein forms Q133P.
Identifiers: ClinVar variation 1956069 (VCV001956069.5), dbSNP rs771194181, ClinGen allele CA5169411.